The following is an entry in ClinVar:

NC_000019.10:g.39480799_39480803del

Gene: TIMM50 (translocase of inner mitochondrial membrane 50; plus strand). Cytogenetic location: 19q13.2.
Variant type: Deletion.
Genome position: GRCh38 VCF-style: chr19-39480794-TCCGGC-T. GRCh37 (hg19) VCF-style: chr19-39971434-TCCGGC-T.
Identifiers: ClinVar variation 1002424 (VCV001002424.4), dbSNP rs1473961976, ClinGen allele CA633132530.

ClinVar aggregate classification (germline): Uncertain significance (1 of 4 stars; one submission).

Submission:

Labcorp Genetics (formerly Invitae), Labcorp
Classification: Uncertain significance. Last evaluated: 2020-10-19. Review status: criteria provided, single submitter. Criteria: Invitae Variant Classification Sherloc (09022015). Collection method: clinical testing. Allele origin: germline.
Comment: This sequence change creates a premature translational stop signal (p.Pro86Alafs*63) in the TIMM50 gene. It is expected to result in an absent or disrupted protein product. However, the current clinical and genetic evidence is not sufficient to establish whether loss-of-function variants in TIMM50 cause disease. This variant is not present in population databases (ExAC no frequency). This variant has not been reported in the literature in individuals with TIMM50-related conditions. Experimental studies and prediction algorithms are not available or were not evaluated, and the functional significance of this variant is currently unknown. In summary, the available evidence is currently insufficient to determine the role of this variant in disease. Therefore, it has been classified as a Variant of Uncertain Significance.